The following is an entry in ClinVar:

ClinVar aggregate classification (germline): Conflicting classifications of pathogenicity. Review status: criteria provided, conflicting classifications (1 of 4 stars). 2 submissions from 2 submitters: Pathogenic (1); Uncertain significance (1). Last evaluated 2025-07-30.

Conditions:
Familial thoracic aortic aneurysm and aortic dissection (TAAD). Also called: Thoracic aortic aneurysms and dissections. Identifiers: Orphanet 91387, MedGen C4707243, MONDO:0019625.

Submissions (2):

Labcorp Genetics (formerly Invitae), Labcorp
Classification: Pathogenic for Familial thoracic aortic aneurysm and aortic dissection. Last evaluated: 2025-07-30. Review status: criteria provided, single submitter. Criteria: Invitae Variant Classification Sherloc (09022015). Collection method: clinical testing. Allele origin: germline.
Comment: This sequence change replaces arginine, which is basic and polar, with leucine, which is neutral and non-polar, at codon 243 of the SMAD3 protein (p.Arg243Leu). This variant is not present in population databases (gnomAD no frequency). This missense change has been observed in individuals with SMAD3-related conditions (internal data). It has also been observed to segregate with disease in related individuals. ClinVar contains an entry for this variant (Variation ID: 3626147). Invitae Evidence Modeling of protein sequence and biophysical properties (such as structural, functional, and spatial information, amino acid conservation, physicochemical variation, residue mobility, and thermodynamic stability) indicates that this missense variant is expected to disrupt SMAD3 protein function with a positive predictive value of 80%. This variant disrupts the p.Arg243 amino acid residue in SMAD3. Other variant(s) that disrupt this residue have been determined to be pathogenic (internal data). This suggests that this residue is clinically significant, and that variants that disrupt this residue are likely to be disease-causing. For these reasons, this variant has been classified as Pathogenic.

Color Diagnostics, LLC DBA Color Health
Classification: Uncertain significance for Familial thoracic aortic aneurysm and aortic dissection. Last evaluated: 2025-05-12. Review status: criteria provided, single submitter. Criteria: ACMG Guidelines, 2015. Collection method: clinical testing. Allele origin: germline.
Comment: This missense variant replaces arginine with leucine at codon 243 of the SMAD3 protein. Computational prediction suggests that this variant may have a deleterious impact on protein structure and function. To our knowledge, functional studies have not been reported for this variant. This variant has not been reported in individuals affected with SMAD3-related disorders in the literature. This variant has not been identified in the general population by the Genome Aggregation Database (gnomAD). The available evidence is insufficient to determine the role of this variant in disease conclusively. Therefore, this variant is classified as a Variant of Uncertain Significance.

NM_005902.4(SMAD3):c.728G>T (p.Arg243Leu)

Gene: SMAD3 (SMAD family member 3; plus strand). Cytogenetic location: 15q22.33.
Variant type: single nucleotide variant.
Coding change: c.728G>T on transcript NM_005902.4 (MANE Select); coding-DNA position 728, G replaced by T.
Protein change: p.Arg243Leu; replaces arginine 243 with leucine.
Molecular consequence: missense variant.
Genome position (GRCh38, 1-based): chr15:67,181,310, G>T. VCF-style: chr15-67181310-G-T. GRCh37 (hg19) VCF-style: chr15-67473648-G-T.
Other names: c.413G>T, p.Arg138Leu (NM_001145102.2, NM_001407016.1); c.596G>T, p.Arg199Leu (NM_001145103.2, NM_001407012.1); c.143G>T, p.Arg48Leu (NM_001145104.2, NM_001407017.1); c.728G>T, p.Arg243Leu (NM_001407011.1, NM_001407013.1); c.581G>T, p.Arg194Leu (NM_001407014.1); c.281G>T, p.Arg94Leu (NM_001407015.1); short protein forms R138L, R194L, R199L, R243L, R48L, R94L.
Identifiers: ClinVar variation 3626147 (VCV003626147.3).